The following is an entry in ClinVar:

ClinVar aggregate classification (germline): Uncertain significance (1 of 4 stars; one submission).

gnomAD v4.1: 28 of 1,612,134 alleles (0.0017%); highest among the groups gnomAD compares: South Asian, 0.0022%; no homozygotes.

Submission:

GeneDx
Classification: Uncertain significance. Last evaluated: 2025-09-23. Review status: criteria provided, single submitter. Criteria: GeneDx Variant Classification Process June 2021. Collection method: clinical testing. Allele origin: germline. Affected: yes.
Comment: Not observed at significant frequency in large population cohorts (gnomAD); Has not been previously published as pathogenic or benign to our knowledge; In silico analysis suggests this variant may impact gene splicing. In the absence of RNA/functional studies, the actual effect of this sequence change is unknown.

NM_001242896.3(DEPDC5):c.3486-66T>G

Gene: DEPDC5 (DEP domain containing 5, GATOR1 subcomplex subunit; plus strand). Cytogenetic location: 22q12.3.
Variant type: single nucleotide variant.
Coding change: c.3486-66T>G on transcript NM_001242896.3 (MANE Select); 66 bases into the intron before coding-DNA position 3486, T replaced by G.
Molecular consequence: intron variant. On other transcripts: non-coding transcript variant (1).
Genome position (GRCh38, 1-based): chr22:31,873,189, T>G. VCF-style: chr22-31873189-T-G. GRCh37 (hg19) VCF-style: chr22-32269175-T-G.
Other names: c.3486-66T>G (NM_001364318.2); c.3459-66T>G (NM_001136029.4); c.3393-66T>G (NM_014662.6, NM_001369903.1); c.3420-66T>G (NM_001363852.2, NM_001364320.2); c.3252-66T>G (NM_001363854.2, NM_001364319.2); c.3186-66T>G (NM_001242897.2); c.3402-66T>G (NM_001369902.1, NM_001369901.1).
Identifiers: ClinVar variation 4813904 (VCV004813904.1).